The following is an entry in ClinVar:

ClinVar aggregate classification (germline): Uncertain significance. Review status: criteria provided, multiple submitters, no conflicts (2 of 4 stars). 2 submissions from 2 submitters: Uncertain significance (2). Last evaluated 2025-11-02.

Conditions:
Hereditary cancer-predisposing syndrome. Also called: Tumor predisposition; Hereditary neoplastic syndrome; Neoplastic Syndromes, Hereditary; Hereditary Cancer Syndrome. Identifiers: Orphanet 140162, MedGen C0027672, MeSH D009386, MONDO:0015356.
Neuroblastoma, susceptibility to, 3. Also called: ALK-Related Neuroblastic Tumor Susceptibility. Identifiers: Orphanet 635, MedGen C2751681, MONDO:0013083, OMIM 613014.

Submissions (2):

Ambry Genetics
Classification: Uncertain significance for Hereditary cancer-predisposing syndrome. Last evaluated: 2025-11-02. Review status: criteria provided, single submitter. Criteria: Ambry Variant Classification Scheme 2023. Collection method: clinical testing. Allele origin: germline.
Comment: The p.G844S variant (also known as c.2530G>A), located in coding exon 15 of the ALK gene, results from a G to A substitution at nucleotide position 2530. The glycine at codon 844 is replaced by serine, an amino acid with similar properties. This amino acid position is conserved. In addition, the in silico prediction for this alteration is inconclusive. Based on the available evidence, the clinical significance of this variant remains unclear.

Labcorp Genetics (formerly Invitae), Labcorp
Classification: Uncertain significance for Neuroblastoma, susceptibility to, 3. Last evaluated: 2024-09-03. Review status: criteria provided, single submitter. Criteria: Invitae Variant Classification Sherloc (09022015). Collection method: clinical testing. Allele origin: germline.
Comment: This sequence change replaces glycine, which is neutral and non-polar, with serine, which is neutral and polar, at codon 844 of the ALK protein (p.Gly844Ser). This variant is not present in population databases (gnomAD no frequency). This variant has not been reported in the literature in individuals affected with ALK-related conditions. ClinVar contains an entry for this variant (Variation ID: 1523939). An algorithm developed to predict the effect of missense changes on protein structure and function (PolyPhen-2) suggests that this variant is likely to be disruptive. In summary, the available evidence is currently insufficient to determine the role of this variant in disease. Therefore, it has been classified as a Variant of Uncertain Significance.

NM_004304.5(ALK):c.2530G>A (p.Gly844Ser)

Gene: ALK (ALK receptor tyrosine kinase; minus strand). Cytogenetic location: 2p23.2.
Variant type: single nucleotide variant.
Coding change: c.2530G>A on transcript NM_004304.5 (MANE Select); coding-DNA position 2530, G replaced by A.
Protein change: p.Gly844Ser; replaces glycine 844 with serine.
Molecular consequence: missense variant.
Genome position (GRCh38, 1-based): chr2:29,232,406, C>T on the plus strand (G>A on the coding strand, the complement: ALK is on the minus strand). VCF-style: chr2-29232406-C-T. GRCh37 (hg19) VCF-style: chr2-29455272-C-T.
Other names: c.2530G>A (NM_004304.4); short protein forms G844S.
Identifiers: ClinVar variation 1523939 (VCV001523939.7), dbSNP rs2148183406, ClinGen allele CA346471931.
Genomic context (GRCh38, chr2:29,232,406, plus strand): 5'-TATTCTCCAGTCTCTCTGGGTGGAACGTGTCTGTCTTGGCCCCGTAGGCCCTGCCACCAC[C>T]TCCGGCTGCAATGATCAGGGGCACCGGCACTCCATCCTTCATCTGACCAGGGGAGACATT-3'
Protein context (NP_004295.2, residues 834-854): VPVPLIIAAG[Gly844Ser]GGRAYGAKTD